The following is an entry in ClinVar:

NM_013450.4(BAZ2B):c.760G>A (p.Asp254Asn)

Gene: BAZ2B (bromodomain adjacent to zinc finger domain 2B; minus strand). Cytogenetic location: 2q24.2.
Variant type: single nucleotide variant.
Coding change: c.760G>A on transcript NM_013450.4 (MANE Select); coding-DNA position 760, G replaced by A.
Protein change: p.Asp254Asn; replaces aspartic acid 254 with asparagine.
Molecular consequence: missense variant.
Genome position (GRCh38, 1-based): chr2:159,439,149, C>T on the plus strand (G>A on the coding strand, the complement: BAZ2B is on the minus strand). VCF-style: chr2-159439149-C-T. GRCh37 (hg19) VCF-style: chr2-160295660-C-T.
Other names: c.754G>A, p.Asp252Asn (NM_001289975.1); c.571G>A, p.Asp191Asn (NM_001329857.2); c.760G>A, p.Asp254Asn (NM_001329858.2); short protein forms D191N, D252N, D254N.
Identifiers: ClinVar variation 4529570 (VCV004529570.1).

ClinVar aggregate classification (germline): Uncertain significance (1 of 4 stars; one submission).

Submission:

GeneDx
Classification: Uncertain significance. Last evaluated: 2025-05-17. Review status: criteria provided, single submitter. Criteria: GeneDx Variant Classification Process June 2021. Collection method: clinical testing. Allele origin: germline. Affected: yes.
Comment: Not observed at significant frequency in large population cohorts (gnomAD); In silico analysis suggests that this missense variant does not alter protein structure/function; Has not been previously published as pathogenic or benign to our knowledge